The following is an entry in ClinVar:

ClinVar aggregate classification (germline): Uncertain significance (1 of 4 stars; one submission).

Submission:

Ambry Genetics
Classification: Uncertain significance. Last evaluated: 2021-11-29. Review status: criteria provided, single submitter. Criteria: Ambry Variant Classification Scheme 2023. Collection method: clinical testing. Allele origin: germline.
Comment: The c.191delT variant, located in coding exon 1 of the GALNT12 gene, results from a deletion of one nucleotide at nucleotide position 191, causing a translational frameshift with a predicted alternate stop codon (p.V64Afs*79). This alteration is expected to result in loss of function by premature protein truncation or nonsense-mediated mRNA decay. The evidence for this gene-disease relationship is limited; therefore, the clinical significance of this alteration is unclear.

NM_024642.5(GALNT12):c.191del (p.Val64fs)

Gene: GALNT12 (polypeptide N-acetylgalactosaminyltransferase 12; plus strand). Cytogenetic location: 9q22.33.
Variant type: Deletion.
Coding change: c.191del on transcript NM_024642.5 (MANE Select); coding-DNA position 191, one base deleted (T; older notation c.191delT).
Protein change: p.Val64fs; shifts the reading frame from valine 64.
Molecular consequence: frameshift variant.
Genome position (GRCh38, 1-based): chr9:98,807,889, T deleted. VCF-style (leftmost placement, unchanged base first): chr9-98807888-GT-G. GRCh37 (hg19) VCF-style: chr9-101570170-GT-G.
Other names: short protein forms V64fs.
Identifiers: ClinVar variation 1782640 (VCV001782640.2), dbSNP rs2490455570, ClinGen allele CA2580080841.